The following is an entry in ClinVar:

ClinVar aggregate classification (germline): Uncertain significance. Review status: criteria provided, single submitter (1 of 4 stars). 2 submissions from 2 submitters: Uncertain significance (1). 1 of the submissions does not count toward it. Last evaluated 2020-10-25.

Conditions:
Decreased circulating carnitine concentration. Also called: Decreased plasma carnitine. Identifiers: MedGen C5848230, HP:0003234.
Renal carnitine transport defect (CDSP). Also called: Systemic primary carnitine deficiency disease; CARNITINE DEFICIENCY, SYSTEMIC, DUE TO DEFECT IN RENAL REABSORPTION OF CARNITINE; CARNITINE TRANSPORTER, PLASMA-MEMBRANE, DEFICIENCY OF; CARNITINE UPTAKE DEFECT; Carnitine transporter deficiency; Carnitine Deficiency, Systemic. Identifiers: Orphanet 158, MedGen C0342788, MONDO:0008919, OMIM 212140.

Allele frequency attached by ClinVar (database versions not stated): gnomAD exomes below 0.00001; TOPMed below 0.00001.
gnomAD v4.1: 1 of 1,614,276 alleles (0.000062%); highest among the groups gnomAD compares: Non-Finnish European, 0.000085%; no homozygotes.

Submissions (2):

Labcorp Genetics (formerly Invitae), Labcorp
Classification: Uncertain significance for Renal carnitine transport defect. Last evaluated: 2020-10-25. Review status: criteria provided, single submitter. Criteria: Invitae Variant Classification Sherloc (09022015). Collection method: clinical testing. Allele origin: germline.
Comment: Advanced modeling of protein sequence and biophysical properties (such as structural, functional, and spatial information, amino acid conservation, physicochemical variation, residue mobility, and thermodynamic stability) performed at Invitae indicates that this missense variant is expected to disrupt SLC22A5 protein function. In summary, the available evidence is currently insufficient to determine the role of this variant in disease. Therefore, it has been classified as a Variant of Uncertain Significance. This variant has not been reported in the literature in individuals with SLC22A5-related conditions. This variant is not present in population databases (ExAC no frequency). This sequence change replaces leucine with proline at codon 173 of the SLC22A5 protein (p.Leu173Pro). The leucine residue is highly conserved and there is a moderate physicochemical difference between leucine and proline.

Natera, Inc.
Classification: Uncertain significance for Carnitine deficiency. Last evaluated: 2021-05-24. Review status: no assertion criteria provided. Collection method: clinical testing. Allele origin: germline. Not counted in ClinVar's aggregate classification.

NM_003060.4(SLC22A5):c.518T>C (p.Leu173Pro)

Gene: SLC22A5 (solute carrier family 22 member 5; plus strand). Cytogenetic location: 5q31.1.
Variant type: single nucleotide variant.
Coding change: c.518T>C on transcript NM_003060.4 (MANE Select); coding-DNA position 518, T replaced by C.
Protein change: p.Leu173Pro; replaces leucine 173 with proline.
Molecular consequence: missense variant.
Genome position (GRCh38, 1-based): chr5:132,384,167, T>C. VCF-style: chr5-132384167-T-C. GRCh37 (hg19) VCF-style: chr5-131719859-T-C.
Other names: c.590T>C, p.Leu197Pro (NM_001308122.2); short protein forms L197P, L173P.
Identifiers: ClinVar variation 1036169 (VCV001036169.12), dbSNP rs1752441594, ClinGen allele CA360804562.